The following is an entry in ClinVar:

NM_017780.4(CHD7):c.2751G>A (p.Thr917=)

Gene: CHD7 (chromodomain helicase DNA binding protein 7; plus strand). Cytogenetic location: 8q12.2.
Variant type: single nucleotide variant.
Coding change: c.2751G>A on transcript NM_017780.4 (MANE Select); coding-DNA position 2751, G replaced by A.
Protein change: p.Thr917=; no amino-acid change (threonine 917 retained).
Molecular consequence: synonymous variant. On other transcripts: intron variant (1).
Genome position (GRCh38, 1-based): chr8:60,821,843, G>A. VCF-style: chr8-60821843-G-A. GRCh37 (hg19) VCF-style: chr8-61734402-G-A.
Other names: c.2751G>A (LRG_176t1); c.1717-40386G>A (NM_001316690.1).
Identifiers: ClinVar variation 193725 (VCV000193725.49), dbSNP rs369429961, ClinGen allele CA239337.

ClinVar aggregate classification (germline): Conflicting classifications of pathogenicity. Review status: criteria provided, conflicting classifications (1 of 4 stars). 10 submissions from 10 submitters: Uncertain significance (1); Benign (2); Likely benign (4). 3 of the submissions do not count toward it. Last evaluated 2025-12-22.

Conditions:
Inborn genetic diseases. Identifiers: MedGen C0950123, MeSH D030342.
CHARGE syndrome (CHARGE). Also called: Coloboma, heart anomaly, choanal atresia, retardation, genital and ear anomalies; CHARGE association; Hall-Hittner syndrome; CHARGE ASSOCIATION--COLOBOMA, HEART ANOMALY, CHOANAL ATRESIA, RETARDATION, GENITAL AND EAR ANOMALIES; Hittner Hirsch Kreh syndrome. Identifiers: Orphanet 138, MedGen C0265354, MONDO:0008965.

Allele frequency attached by ClinVar (database versions not stated): gnomAD exomes 0.00037 and 0.00066; TOPMed 0.00037; gnomAD 0.00039 and 0.00040; ESP Exome Variant Server 0.00041; ExAC 0.00048.
gnomAD v4.1: 998 of 1,590,562 alleles (0.063%); highest among the groups gnomAD compares: Non-Finnish European, 0.079%; no homozygotes.

Submissions (10):

Labcorp Genetics (formerly Invitae), Labcorp
Classification: Likely benign for CHARGE syndrome. Last evaluated: 2025-12-22. Review status: criteria provided, single submitter. Criteria: Invitae Variant Classification Sherloc (09022015). Collection method: clinical testing. Allele origin: germline.

CeGaT Center for Human Genetics Tuebingen
Classification: Likely benign. Last evaluated: 2025-07-01. Review status: criteria provided, single submitter. Criteria: CeGaT Center For Human Genetics Tuebingen Variant Classification Criteria Version 2. Collection method: clinical testing. Allele origin: germline. Affected: yes. Observed: 4 variant alleles.
Comment: CHD7: BP4, BP7

Blueprint Genetics
Classification: Likely benign. Last evaluated: 2024-11-27. Review status: criteria provided, single submitter. Criteria: ACMG Guidelines, 2015. Collection method: clinical testing. Allele origin: germline.

Athena Diagnostics
Classification: Benign. Last evaluated: 2019-12-03. Review status: criteria provided, single submitter. Criteria: Athena Diagnostics Criteria. Collection method: clinical testing. Allele origin: unknown.

GeneDx
Classification: Benign. Last evaluated: 2019-08-05. Review status: criteria provided, single submitter. Criteria: GeneDx Variant Classification Process June 2021. Collection method: clinical testing. Allele origin: germline. Affected: yes.
Comment: This variant is associated with the following publications: (PMID: 28475860)

Ambry Genetics
Classification: Likely benign for Inborn genetic diseases. Last evaluated: 2017-06-29. Review status: criteria provided, single submitter. Criteria: Ambry Variant Classification Scheme 2023. Collection method: clinical testing. Allele origin: germline.

Eurofins Ntd Llc (ga)
Classification: Uncertain significance. Last evaluated: 2015-02-14. Review status: criteria provided, single submitter. Criteria: EGL Classification Definitions 2015. Collection method: clinical testing. Allele origin: germline. Observed: 1 variant allele, 1 heterozygote.

Clinical Genetics DNA and cytogenetics Diagnostics Lab, Erasmus MC, Erasmus Medical Center
Classification: Likely benign. Review status: no assertion criteria provided. Collection method: clinical testing. Allele origin: germline. Affected: yes. Study: VKGL Data-share Consensus. Not counted in ClinVar's aggregate classification.

Genome Diagnostics Laboratory, University Medical Center Utrecht
Classification: Likely benign. Review status: no assertion criteria provided. Collection method: clinical testing. Allele origin: germline. Affected: yes. Study: VKGL Data-share Consensus. Not counted in ClinVar's aggregate classification.

Joint Genome Diagnostic Labs from Nijmegen and Maastricht, Radboudumc and MUMC+
Classification: Likely benign. Review status: no assertion criteria provided. Collection method: clinical testing. Allele origin: germline. Affected: yes. Study: VKGL Data-share Consensus. Not counted in ClinVar's aggregate classification.